The following is an entry in ClinVar:

ClinVar aggregate classification (germline): Uncertain significance. Review status: criteria provided, multiple submitters, no conflicts (2 of 4 stars). 4 submissions from 4 submitters: Uncertain significance (4). Last evaluated 2025-08-25.

Conditions:
Inborn genetic diseases. Identifiers: MedGen C0950123, MeSH D030342.
Cataract 41 (CTRCT41). Also called: CATARACT 41, CONGENITAL NUCLEAR TYPE. Identifiers: Orphanet 91492, Orphanet 98991, Orphanet 98992, Orphanet 98995, MedGen C3805412, MONDO:0007287, OMIM 116400.
Wolfram syndrome 1 (WFS1). Identifiers: Orphanet 3463, MedGen C4551693, MONDO:0009101, OMIM 222300.
Autosomal dominant nonsyndromic hearing loss 6 (LFSNHL). Also called: DEAFNESS, AUTOSOMAL DOMINANT 6; DEAFNESS, AUTOSOMAL DOMINANT 14; DEAFNESS, AUTOSOMAL DOMINANT 38; Autosomal dominant nonsyndromic deafness 6. Identifiers: Orphanet 90635, MedGen C1833021, MONDO:0010963, OMIM 600965.
Wolfram-like syndrome. Also called: HEARING LOSS, PROGRESSIVE, WITH OPTIC ATROPHY AND/OR IMPAIRED GLUCOSE REGULATION. Identifiers: Orphanet 411590, MedGen C3280358, MONDO:0013673, OMIM 614296.
Type 2 diabetes mellitus. Also called: Type II diabetes mellitus. Identifiers: MedGen C0011860, MeSH D003924, MONDO:0005148, OMIM 125853, HP:0005978.

gnomAD v4.1: 25 of 1,575,886 alleles (0.0016%); highest among the groups gnomAD compares: African/African-American, 0.031%; no homozygotes.

Submissions (4):

Labcorp Genetics (formerly Invitae), Labcorp
Classification: Uncertain significance. Last evaluated: 2025-08-25. Review status: criteria provided, single submitter. Criteria: Invitae Variant Classification Sherloc (09022015). Collection method: clinical testing. Allele origin: germline.
Comment: This sequence change replaces proline, which is neutral and non-polar, with serine, which is neutral and polar, at codon 52 of the WFS1 protein (p.Pro52Ser). This variant is present in population databases (rs111773340, gnomAD 0.05%). This variant has not been reported in the literature in individuals affected with WFS1-related conditions. ClinVar contains an entry for this variant (Variation ID: 1418122). Invitae Evidence Modeling of protein sequence and biophysical properties (such as structural, functional, and spatial information, amino acid conservation, physicochemical variation, residue mobility, and thermodynamic stability) indicates that this missense variant is not expected to disrupt WFS1 protein function with a negative predictive value of 95%. In summary, the available evidence is currently insufficient to determine the role of this variant in disease. Therefore, it has been classified as a Variant of Uncertain Significance.

GeneDx
Classification: Uncertain significance. Last evaluated: 2025-01-30. Review status: criteria provided, single submitter. Criteria: GeneDx Variant Classification Process June 2021. Collection method: clinical testing. Allele origin: germline. Affected: yes.
Comment: Has not been previously published as pathogenic or benign to our knowledge; In silico analysis indicates that this missense variant does not alter protein structure/function

Fulgent Genetics
Classification: Uncertain significance for Cataract 41; Type 2 diabetes mellitus; Wolfram syndrome 1; Autosomal dominant nonsyndromic hearing loss 6; Wolfram-like syndrome. Last evaluated: 2024-04-05. Review status: criteria provided, single submitter. Criteria: ACMG Guidelines, 2015. Collection method: clinical testing. Allele origin: germline.

Ambry Genetics
Classification: Uncertain significance for Inborn genetic diseases. Last evaluated: 2023-05-09. Review status: criteria provided, single submitter. Criteria: Ambry Variant Classification Scheme 2023. Collection method: clinical testing. Allele origin: germline.

NM_006005.3(WFS1):c.154C>T (p.Pro52Ser)

Gene: WFS1 (wolframin ER transmembrane glycoprotein; plus strand). Cytogenetic location: 4p16.1.
Variant type: single nucleotide variant.
Coding change: c.154C>T on transcript NM_006005.3 (MANE Select); coding-DNA position 154, C replaced by T.
Protein change: p.Pro52Ser; replaces proline 52 with serine.
Molecular consequence: missense variant.
Genome position (GRCh38, 1-based): chr4:6,277,609, C>T. VCF-style: chr4-6277609-C-T. GRCh37 (hg19) VCF-style: chr4-6279336-C-T.
Other names: c.154C>T, p.Pro52Ser (NM_001145853.1); short protein forms P52S.
Identifiers: ClinVar variation 1418122 (VCV001418122.13), dbSNP rs111773340, ClinGen allele CA2838808.